The following is an entry in ClinVar:

ClinVar aggregate classification (germline): Uncertain significance. Review status: criteria provided, multiple submitters, no conflicts (2 of 4 stars). 4 submissions from 3 submitters: Uncertain significance (4). Last evaluated 2023-11-04.

Conditions:
Retinitis pigmentosa 39 (RP39). Identifiers: Orphanet 791, MedGen C3151138, MONDO:0013436, OMIM 613809.
Usher syndrome type 2A. Also called: RETINAL DISEASE IN USHER SYNDROME TYPE IIA, MODIFIER OF; USHER SYNDROME, TYPE IIA. Identifiers: Orphanet 231178, Orphanet 886, MedGen C1848634, MONDO:0010169, OMIM 276901.

Allele frequency attached by ClinVar (database versions not stated): gnomAD 0.00001; TOPMed 0.00001.
gnomAD v4.1: 1 of 1,613,966 alleles (0.000062%); highest among the groups gnomAD compares: Non-Finnish European, 0.000085%; no homozygotes.

Submissions (4):

Genome-Nilou Lab
Classification: Uncertain significance for Retinitis pigmentosa 39. Last evaluated: 2023-11-04. Review status: criteria provided, single submitter. Criteria: ACMG Guidelines, 2015. Collection method: clinical testing. Allele origin: germline. Affected: no.

Genome-Nilou Lab
Classification: Uncertain significance for Usher syndrome type 2A. Last evaluated: 2023-11-04. Review status: criteria provided, single submitter. Criteria: ACMG Guidelines, 2015. Collection method: clinical testing. Allele origin: germline. Affected: no.

Labcorp Genetics (formerly Invitae), Labcorp
Classification: Uncertain significance. Last evaluated: 2023-11-04. Review status: criteria provided, single submitter. Criteria: Invitae Variant Classification Sherloc (09022015). Collection method: clinical testing. Allele origin: germline.
Comment: This sequence change replaces threonine, which is neutral and polar, with isoleucine, which is neutral and non-polar, at codon 5013 of the USH2A protein (p.Thr5013Ile). This variant is not present in population databases (gnomAD no frequency). This variant has not been reported in the literature in individuals affected with USH2A-related conditions. ClinVar contains an entry for this variant (Variation ID: 48452). Advanced modeling of protein sequence and biophysical properties (such as structural, functional, and spatial information, amino acid conservation, physicochemical variation, residue mobility, and thermodynamic stability) performed at Invitae indicates that this missense variant is not expected to disrupt USH2A protein function with a negative predictive value of 95%. In summary, the available evidence is currently insufficient to determine the role of this variant in disease. Therefore, it has been classified as a Variant of Uncertain Significance.

Laboratory for Molecular Medicine, Mass General Brigham Personalized Medicine
Classification: Uncertain significance. Last evaluated: 2011-09-25. Review status: criteria provided, single submitter. Criteria: LMM Criteria. Collection method: clinical testing. Allele origin: germline. Observed: 1 variant allele.
Comment: The Thr5013Ile variant in USH2A has not been reported in the literature nor prev iously identified by our laboratory. Computational analyses (biochemical amino a cid properties, homology, PolyPhen2, SIFT, AlignGVGD) do not provide strong supp ort for or against pathogenicity. In summary, the clinical significance of this variant cannot be determined with certainty at this time.

NM_206933.4(USH2A):c.15038C>T (p.Thr5013Ile)

Gene: USH2A (usherin; minus strand). Cytogenetic location: 1q41.
Variant type: single nucleotide variant.
Coding change: c.15038C>T on transcript NM_206933.4 (MANE Select); coding-DNA position 15038, C replaced by T.
Protein change: p.Thr5013Ile; replaces threonine 5013 with isoleucine.
Molecular consequence: missense variant.
Genome position (GRCh38, 1-based): chr1:215,639,169, G>A on the plus strand (C>T on the coding strand, the complement: USH2A is on the minus strand). VCF-style: chr1-215639169-G-A. GRCh37 (hg19) VCF-style: chr1-215812511-G-A.
Other names: short protein forms T5013I.
Identifiers: ClinVar variation 48452 (VCV000048452.13), dbSNP rs397517996, ClinGen allele CA143378.
Genomic context (GRCh38, chr1:215,639,169, plus strand): 5'-AGGAAGATGAATAGGTGCTACGCCAAGTATAATATGAGTTGTTTACCAAGTCCAGTAGAG[G>A]TATCATATTGGATCAACGGCGTCTTAACACTTCCTTCGTCAGTCGTGCAGATGACCTGGA-3'
Protein context (NP_996816.3, residues 5003-5023): SVKTPLIQYD[Thr5013Ile]STGLGLVLTT